The following is an entry in ClinVar:

NM_001395656.1(ROBO2):c.3869G>T (p.Arg1290Leu)

Gene: ROBO2 (roundabout guidance receptor 2; plus strand). Cytogenetic location: 3p12.3.
Variant type: single nucleotide variant.
Coding change: c.3869G>T on transcript NM_001395656.1 (MANE Select); coding-DNA position 3869, G replaced by T.
Protein change: p.Arg1290Leu; replaces arginine 1290 with leucine.
Molecular consequence: missense variant. On other transcripts: intron variant (1).
Genome position (GRCh38, 1-based): chr3:77,634,966, G>T. VCF-style: chr3-77634966-G-T. GRCh37 (hg19) VCF-style: chr3-77684117-G-T.
Other names: c.3905G>T, p.Arg1302Leu (NM_001128929.3); c.3869G>T, p.Arg1290Leu (NM_001290039.2); c.4052G>T, p.Arg1351Leu (NM_001290040.2, NM_001394212.1, NM_001395657.1); c.2078G>T, p.Arg693Leu (NM_001290065.2); c.3917G>T, p.Arg1306Leu (NM_001378190.1, NM_001378200.1, NM_001378201.1); c.4043G>T, p.Arg1348Leu (NM_001378191.1, NM_001378195.1, NM_001378196.1); c.3938G>T, p.Arg1313Leu (NM_001378192.1, NM_001378198.1, NM_001378199.1); c.3857G>T, p.Arg1286Leu (NM_001378193.1, NM_002942.5); and 6 more; short protein forms R1286L, R1302L, R1290L, R1351L, R693L, R1287L, R1306L, R1309L.
Identifiers: ClinVar variation 346711 (VCV000346711.52), dbSNP rs200131009, ClinGen allele CA2497770.

ClinVar aggregate classification (germline): Conflicting classifications of pathogenicity. Review status: criteria provided, conflicting classifications (1 of 4 stars). 5 submissions from 5 submitters: Uncertain significance (1); Benign (2); Likely benign (1). 1 of the submissions does not count toward it. Last evaluated 2025-10-13.

Conditions:
Vesicoureteral reflux 2 (VUR2). Identifiers: Orphanet 289365, MedGen C1970483, MONDO:0012573, OMIM 610878.
ROBO2-related disorder. Also called: ROBO2-related condition.

Allele frequency attached by ClinVar (database versions not stated): ESP Exome Variant Server 0.00025; TOPMed 0.00053; ExAC 0.00056.
gnomAD v4.1: 793 of 1,613,978 alleles (0.049%); highest among the groups gnomAD compares: Non-Finnish European, 0.065%; 2 homozygotes.

Submissions (5):

Labcorp Genetics (formerly Invitae), Labcorp
Classification: Likely benign. Last evaluated: 2025-10-13. Review status: criteria provided, single submitter. Criteria: Invitae Variant Classification Sherloc (09022015). Collection method: clinical testing. Allele origin: germline.

Laboratory of Genetics, Children's Clinical University Hospital Latvia
Classification: Benign. Last evaluated: 2025-02-16. Review status: criteria provided, single submitter. Criteria: ACMG Guidelines, 2015. Collection method: clinical testing. Allele origin: germline. Affected: yes.

Illumina Laboratory Services, Illumina
Classification: Benign for Vesicoureteral reflux 2. Last evaluated: 2018-01-13. Review status: criteria provided, single submitter. Criteria: ICSL Variant Classification Criteria 13 December 2019. Collection method: clinical testing. Allele origin: germline.
Comment: This variant was observed in the ICSL laboratory as part of a predisposition screen in an ostensibly healthy population. It had not been previously curated by ICSL or reported in the Human Gene Mutation Database (HGMD: prior to June 1st, 2018), and was therefore a candidate for classification through an automated scoring system. Utilizing variant allele frequency, disease prevalence and penetrance estimates, and inheritance mode, an automated score was calculated to assess if this variant is too frequent to cause the disease. Based on the score and internal cut-off values, a variant classified as benign is not then subjected to further curation. The score for this variant resulted in a classification of benign for this disease.

CeGaT Center for Human Genetics Tuebingen
Classification: Uncertain significance. Last evaluated: 2016-10-01. Review status: criteria provided, single submitter. Criteria: CeGaT Center For Human Genetics Tuebingen Variant Classification Criteria Version 2. Collection method: clinical testing. Allele origin: germline. Affected: yes. Observed: 1 variant allele.

PreventionGenetics, part of Exact Sciences
Classification: Likely benign for ROBO2-related condition. Last evaluated: 2024-06-25. Review status: no assertion criteria provided. Collection method: clinical testing. Allele origin: germline. Not counted in ClinVar's aggregate classification.
Comment: This variant is classified as likely benign based on ACMG/AMP sequence variant interpretation guidelines (Richards et al. 2015 PMID: 25741868, with internal and published modifications).